The following is an entry in ClinVar:

NM_022450.5(RHBDF1):c.1384G>A (p.Gly462Arg)

Gene: RHBDF1 (rhomboid 5 homolog 1; minus strand). Cytogenetic location: 16p13.3.
Variant type: single nucleotide variant.
Coding change: c.1384G>A on transcript NM_022450.5 (MANE Select); coding-DNA position 1384, G replaced by A.
Protein change: p.Gly462Arg; replaces glycine 462 with arginine.
Molecular consequence: missense variant.
Genome position (GRCh38, 1-based): chr16:61,396, C>T on the plus strand (G>A on the coding strand, the complement: RHBDF1 is on the minus strand). VCF-style: chr16-61396-C-T. GRCh37 (hg19) VCF-style: chr16-111394-C-T.
Other names: short protein forms G462R.
Identifiers: ClinVar variation 487583 (VCV000487583.1), dbSNP rs760441920, ClinGen allele CA7768214.
Genomic context (GRCh38, chr16:61,396, plus strand): 5'-CACCTCCAGGTCCCGCCCCCGCCGGCCCCGCCCCCAGCCCCGTCCTCACCGAGCTGGGCC[C>T]GATCCAGAAGTTCTCCTGCTGCACGTACTTGACGTTCTCGTAGACCCCGCGGTTCCGCAG-3'
Protein context (NP_071895.3, residues 452-472): KYVQQENFWI[Gly462Arg]PSSEALIHLG

ClinVar aggregate classification (germline): Uncertain significance (0 of 4 stars; one submission).

Conditions:
Wolff-Parkinson-White pattern. Also called: WPW SYNDROME; Auriculoventricular accessory pathway syndrome; False bundle branch block syndrome; Anomalous ventricular excitation syndrome. Identifiers: MedGen C0043202, MONDO:0008685, OMIM 194200, HP:0001716.

Allele frequency attached by ClinVar (database versions not stated): ExAC below 0.00001; gnomAD exomes below 0.00001; gnomAD 0.00003.

Submission:

Lupski Lab, Baylor-Hopkins CMG, Baylor College of Medicine
Classification: Uncertain significance for Wolff-Parkinson-White pattern. Last evaluated: 2017-07-14. Review status: no assertion criteria provided. Collection method: research. Allele origin: de novo. Affected: yes. Observed: 1 variant allele. Study: Candidate_variants_in_patients_with_ Wolff-Parkinson-White Syndrome.